The following is an entry in ClinVar:

NM_000352.6(ABCC8):c.2256-50T>C

Gene: ABCC8 (ATP binding cassette subfamily C member 8; minus strand). Cytogenetic location: 11p15.1.
Variant type: single nucleotide variant.
Coding change: c.2256-50T>C on transcript NM_000352.6 (MANE Select); 50 bases into the intron before coding-DNA position 2256, T replaced by C.
Molecular consequence: intron variant.
Genome position (GRCh38, 1-based): chr11:17,415,389, A>G on the plus strand (T>C on the coding strand, the complement: ABCC8 is on the minus strand). VCF-style: chr11-17415389-A-G. GRCh37 (hg19) VCF-style: chr11-17436936-A-G.
Other names: c.2253-50T>C (NM_001351297.2); c.2256-50T>C (NM_001351296.2); c.2322-50T>C (NM_001351295.2); c.2259-50T>C (NM_001287174.3).
Identifiers: ClinVar variation 1177451 (VCV001177451.5), dbSNP rs4148626, ClinGen allele CA5903240.

ClinVar aggregate classification (germline): Conflicting classifications of pathogenicity. Review status: criteria provided, conflicting classifications (1 of 4 stars). 8 submissions from 4 submitters: Uncertain significance (1); Benign (7). Last evaluated 2021-07-01.

Conditions:
Transitory neonatal diabetes mellitus. Also called: Transient neonatal diabetes mellitus. Identifiers: MedGen C0342273, MONDO:0020525, HP:0008255.
Maturity-onset diabetes of the young (MODY). Also called: Maturity onset diabetes mellitus in young. Identifiers: Orphanet 552, MedGen C0342276, MONDO:0018911, HP:0004904.
Diabetes mellitus, permanent neonatal 3. Also called: ABCC8-Related Permanent Neonatal Diabetes Mellitus. Identifiers: MedGen C5394303, MONDO:0030088, OMIM 618857.
Diabetes mellitus, transient neonatal, 2 (TNDM2). Identifiers: Orphanet 99886, MedGen C1835887, MONDO:0012480, OMIM 610374. Disease mechanism: loss of function.
Leucine-induced hypoglycemia (LIH). Also called: LEUCINE-SENSITIVE HYPOGLYCEMIA OF INFANCY. Identifiers: MedGen C0271714, MONDO:0009415, OMIM 240800.
Hyperinsulinemic hypoglycemia, familial, 1 (HHF1). Also called: Persistent hyperinsulinemic hypoglycemia of infancy; HYPERINSULINISM, FAMILIAL, WITH PANCREATIC NESIDIOBLASTOSIS; HYPOGLYCEMIA, HYPERINSULINEMIC, OF INFANCY; NESIDIOBLASTOSIS OF PANCREAS; Persistent Hyperinsulinemia Hypoglycemia of Infancy. Identifiers: Orphanet 276575, Orphanet 276598, MedGen C2931832, MONDO:0009734, OMIM 256450.

Allele frequency attached by ClinVar (database versions not stated): gnomAD exomes 0.85508 and 0.87349; ExAC 0.87595; gnomAD 0.89141 and 0.89459; ESP Exome Variant Server 0.89327; TOPMed 0.89878; 1000 Genomes Project 0.90375; 1000 Genomes Project 30x 0.90631.
gnomAD v4.1: 1,369,325 of 1,593,980 alleles (86%); highest among the groups gnomAD compares: African/African-American, 96%; 589,070 homozygotes.

Submissions (8):

Pars Genome Lab
Classification: Benign for Leucine-induced hypoglycemia. Last evaluated: 2021-07-01. Review status: criteria provided, single submitter. Criteria: ACMG Guidelines, 2015. Collection method: clinical testing. Allele origin: germline. Affected: no.

Pars Genome Lab
Classification: Benign for Hyperinsulinemic hypoglycemia, familial, 1. Last evaluated: 2021-07-01. Review status: criteria provided, single submitter. Criteria: ACMG Guidelines, 2015. Collection method: clinical testing. Allele origin: germline. Affected: no.

Pars Genome Lab
Classification: Benign for Diabetes mellitus, transient neonatal, 2. Last evaluated: 2021-07-01. Review status: criteria provided, single submitter. Criteria: ACMG Guidelines, 2015. Collection method: clinical testing. Allele origin: germline. Affected: no.

Pars Genome Lab
Classification: Benign for Diabetes mellitus, permanent neonatal 3. Last evaluated: 2021-07-01. Review status: criteria provided, single submitter. Criteria: ACMG Guidelines, 2015. Collection method: clinical testing. Allele origin: germline. Affected: no.

GeneDx
Classification: Benign. Last evaluated: 2018-08-09. Review status: criteria provided, single submitter. Criteria: GeneDx Variant Classification Process June 2021. Collection method: clinical testing. Allele origin: germline. Affected: yes.

Breakthrough Genomics
Classification: Benign. Review status: criteria provided, single submitter. Criteria: ACMG Guidelines, 2015. Collection method: not provided. Allele origin: germline. Inheritance: Autosomal recessive inheritance. Affected: yes.

Clinical Genomics, Uppaluri K&H Personalized Medicine Clinic
Classification: Benign for Maturity-onset diabetes of the young. Review status: criteria provided, single submitter. Criteria: K & H Uppaluri Personalized Medicine Clinic Variant Classification & Assertion Criteria_Updated V.1. Collection method: research. Allele origin: unknown. Inheritance: Autosomal dominant inheritance.
Comment: Mutations in ABCC8 gene are associated with both neonatal diabetes mellitus as well as MODY. Patients with this mutation may have a better response to sulfonylureas. However, no sufficient evidence is found to ascertain the role of this particular variant (rs4148626) in MODY yet.

Clinical Genomics, Uppaluri K&H Personalized Medicine Clinic
Classification: Uncertain significance for Transitory neonatal diabetes mellitus. Review status: criteria provided, single submitter. Criteria: K & H Uppaluri Personalized Medicine Clinic Variant Classification & Assertion Criteria_Updated V.1. Collection method: research. Allele origin: unknown.
Comment: Mutations in ABCC8 gene are associated with both neonatal diabetes mellitus as well as MODY. Patients with this mutation may have a better response to sulfonylureas. However, no sufficient evidence is found to ascertain the role of this particular variant (rs4148626) in neonatal diabetes yet.

Literature cited by the submitters: PubMed 16885549 (cited by Clinical Genomics, Uppaluri K&H Personalized Medicine Clinic); PubMed 21989597 (cited by Clinical Genomics, Uppaluri K&H Personalized Medicine Clinic); PubMed 27538677 (cited by Clinical Genomics, Uppaluri K&H Personalized Medicine Clinic); PubMed 18981553 (cited by Clinical Genomics, Uppaluri K&H Personalized Medicine Clinic); PubMed 32027066 (cited by Clinical Genomics, Uppaluri K&H Personalized Medicine Clinic); PubMed 18025408 (cited by Clinical Genomics, Uppaluri K&H Personalized Medicine Clinic); PubMed 32792356 (cited by Clinical Genomics, Uppaluri K&H Personalized Medicine Clinic).